The following is an entry in ClinVar:

ClinVar aggregate classification (germline): Uncertain significance (1 of 4 stars; one submission).

Conditions:
COL6A2-related disorder.

gnomAD v4.1: 11 of 1,612,890 alleles (0.00068%); highest among the groups gnomAD compares: Admixed American, 0.018%; no homozygotes.

Submission:

PreventionGenetics, part of Exact Sciences
Classification: Uncertain significance for COL6A2-related condition. Last evaluated: 2024-12-11. Review status: criteria provided, single submitter. Criteria: ACMG Guidelines, 2015. Collection method: clinical testing. Allele origin: germline.
Comment: The COL6A2 c.2662G>C variant is predicted to result in the amino acid substitution p.Glu888Gln. To our knowledge, this variant has not been reported in the literature. This variant is reported in 0.020% of alleles in individuals of Latino descent in gnomAD. At this time, the clinical significance of this variant is uncertain due to the absence of conclusive functional and genetic evidence.

NM_058174.3(COL6A2):c.2662G>C (p.Glu888Gln)

Gene: COL6A2 (collagen type VI alpha 2 chain; plus strand). Cytogenetic location: 21q22.3.
Variant type: single nucleotide variant.
Coding change: c.2662G>C on transcript NM_058174.3 (MANE Plus Clinical); coding-DNA position 2662, G replaced by C.
Protein change: p.Glu888Gln; replaces glutamic acid 888 with glutamine.
Molecular consequence: missense variant. On other transcripts: 3 prime UTR variant (1), intron variant (1).
Genome position (GRCh38, 1-based): chr21:46,129,396, G>C. VCF-style: chr21-46129396-G-C. GRCh37 (hg19) VCF-style: chr21-47549310-G-C.
Other names: c.*468G>C (NM_058175.3); c.2462-2558G>C (NM_001849.4); short protein forms E888Q.
Identifiers: ClinVar variation 4982715 (VCV004982715.1).
Genomic context (GRCh38, chr21:46,129,396, plus strand): 5'-TCCCAGCTGGTGGCCGTGCTGGTCTACACCGCCGAGCGGGCCAAGTTCGCCACCGGGGTA[G>C]AGCGGCAGGACTGGATGGAGCTGTTCATTGACACCTTTAAGCTGGTGCACAGGGACATCG-3'
Protein context (NP_478054.2, residues 878-898): AERAKFATGV[Glu888Gln]RQDWMELFID